The following is an entry in ClinVar:

ClinVar aggregate classification (germline): Conflicting classifications of pathogenicity. Review status: criteria provided, conflicting classifications (1 of 4 stars). 14 submissions from 14 submitters: Uncertain significance (10); Likely benign (3). 1 of the submissions does not count toward it. Last evaluated 2026-06-04.

Conditions:
Cardiomyopathy (CMYO). Also called: Cardiomyopathies. Identifiers: Orphanet 167848, MedGen C0878544, MONDO:0004994, HP:0001638. Inheritance: Various modes of inheritance.
Cardiovascular phenotype. Identifiers: MedGen CN230736.
Catecholaminergic polymorphic ventricular tachycardia 1. Also called: RYR2-Related Catecholaminergic Polymorphic Ventricular Tachycardia; VENTRICULAR TACHYCARDIA, STRESS-INDUCED POLYMORPHIC 1; VENTRICULAR TACHYCARDIA, CATECHOLAMINERGIC POLYMORPHIC, 1, WITH OR WITHOUT ATRIAL DYSFUNCTION AND/OR DILATED CARDIOMYOPATHY. Identifiers: Orphanet 3286, MedGen C1631597, MONDO:0011484, OMIM 604772.
Arrhythmogenic right ventricular dysplasia 2. Identifiers: MedGen C1832931.
Long QT syndrome (LQTS). Identifiers: MedGen C0023976, MeSH D008133, MONDO:0002442. Disease mechanism: loss of function. Inheritance: Various modes of inheritance.

Allele frequency attached by ClinVar (database versions not stated): ESP Exome Variant Server 0.00008; gnomAD 0.00014; gnomAD exomes 0.00016 and 0.00018; ExAC 0.00017; TOPMed 0.00017.
gnomAD v4.1: 277 of 1,612,568 alleles (0.017%); highest among the groups gnomAD compares: Admixed American, 0.044%; no homozygotes.

Submissions (14):

Ambry Genetics
Classification: Uncertain significance for Cardiovascular phenotype. Last evaluated: 2026-06-04. Review status: criteria provided, single submitter. Criteria: Ambry Variant Classification Scheme 2023. Collection method: clinical testing. Allele origin: germline.
Comment: The p.C1489R variant (also known as c.4465T>C), located in coding exon 34 of the RYR2 gene, results from a T to C substitution at nucleotide position 4465. The cysteine at codon 1489 is replaced by arginine, an amino acid with highly dissimilar properties. This variant has been identified in a hypertrophic cardiomyopathy cohort, in an individual from a sudden unexplained death in epilepsy cohort with history of nocturnal seizures, and in an exome sequencing cohort; however clinical details were limited (Lopes LR et al. Heart, 2015 Feb;101:294-301; Bagnall RD et al. Ann. Neurol., 2016 Apr;79:522-34). This alteration has also been seen in a sudden unexplained death cohort with variants in other cardiac-related genes (Sanchez O et al. PLoS One, 2016 Dec;11:e0167358). This variant has also been reported in an arrhythmogenic right ventricular cardiomyopathy (ARVC) cohort (Goudal A et al. Hum Mutat, 2022 Sep;43:1333-1342). This amino acid position is not well conserved in available vertebrate species. In addition, the in silico prediction for this alteration is inconclusive. Since supporting evidence is limited at this time, the clinical significance of this alteration remains unclear.

Dasa
Classification: Uncertain significance. Last evaluated: 2026-02-18. Review status: criteria provided, single submitter. Criteria: DASA Assertion Criteria. Collection method: clinical testing. Allele origin: germline.
Comment: NM_001035.3(RYR2):c.4465T>C (p.Cys1489Arg) is a missense variant that results in the substitution of cysteine with arginine. This variant has been recurrently observed in individuals with RYR2-related disorders (PMID: 38380180; PMID: 31865891). Also, this variant is rare in population databases. The currently available literature and clinical evidence are not sufficient to establish a definitive association between this variant and the reported condition. Therefore, this variant is classified as a variant of uncertain significance.

Labcorp Genetics (formerly Invitae), Labcorp
Classification: Likely benign for Catecholaminergic polymorphic ventricular tachycardia 1. Last evaluated: 2026-01-20. Review status: criteria provided, single submitter. Criteria: Invitae Variant Classification Sherloc (09022015). Collection method: clinical testing. Allele origin: germline.

GeneDx
Classification: Uncertain significance. Last evaluated: 2025-10-24. Review status: criteria provided, single submitter. Criteria: GeneDx Variant Classification Process June 2021. Collection method: clinical testing. Allele origin: germline. Affected: yes.
Comment: Reported in individuals with HCM, sudden unexplained death (SUD), arrhythmogenic cardiomyopathy and sudden unexplained death in epilepsy (SUDEP) in published literature (PMID: 26704558, 25351510, 35819174, 27930701); Also identified in a cohort of individuals undergoing clinical exome sequencing (PMID: 28404607); although, the indication for testing, follow-up cardiac evaluations and segregation studies were not reported; In silico analysis supports that this missense variant has a deleterious effect on protein structure/function; Not located in one of the three hot-spot regions of the RYR2 gene, where the majority of pathogenic missense variants occur (PMID: 19926015); This variant is associated with the following publications: (PMID: 27482086, 26704558, 27930701, 35819174, 25351510, 28404607, 32152366, 19926015)

Molecular Diagnostic Laboratory for Inherited Cardiovascular Disease, Montreal Heart Institute
Classification: Uncertain significance for Cardiovascular phenotype. Last evaluated: 2025-04-08. Review status: criteria provided, single submitter. Criteria: ACMG Guidelines, 2015. Collection method: clinical testing. Allele origin: germline. Affected: yes.
Comment: PP2, BS1

Blueprint Genetics
Classification: Likely benign. Last evaluated: 2024-10-22. Review status: criteria provided, single submitter. Criteria: ACMG Guidelines, 2015. Collection method: clinical testing. Allele origin: germline.

Mayo Clinic Laboratories, Mayo Clinic
Classification: Uncertain significance. Last evaluated: 2021-02-01. Review status: criteria provided, single submitter. Criteria: ACMG Guidelines, 2015. Collection method: clinical testing. Allele origin: germline. Observed: 1 variant allele.

ARUP Laboratories, Molecular Genetics and Genomics, ARUP Laboratories
Classification: Uncertain significance. Last evaluated: 2020-05-05. Review status: criteria provided, single submitter. Criteria: ARUP Molecular Germline Variant Investigation Process. Collection method: clinical testing. Allele origin: germline.
Comment: The RYR2 c.4465T>C; p.Cys1489Arg variant (rs200450676) is reported in the literature in an individual affected with hypertrophic cardiomyopathy and another individual with sudden unexpected death in epilepsy (Bagnall 2016, Lopes 2015). This variant is found in the Latino population with an overall allele frequency of 0.04% (15/34756 alleles) in the Genome Aggregation Database. The cysteine at codon 1489 is moderately conserved, and computational analyses (SIFT, PolyPhen-2) predict that this variant is tolerated. However, due to limited information, the clinical significance of the p.Cys1489Arg variant is uncertain at this time. References: Bagnall et al., Exome-based analysis of cardiac arrhythmia, respiratory control, and epilepsy genes in sudden unexpected death in epilepsy. Ann Neurol. 2016 Apr;79(4):522-34. Lopes LR et al. Novel genotype-phenotype associations demonstrated by high-throughput sequencing in patients with hypertrophic cardiomyopathy. Heart. 2015 Feb;101(4):294-301.

Color Diagnostics, LLC DBA Color Health
Classification: Likely benign for Cardiomyopathy. Last evaluated: 2020-01-27. Review status: criteria provided, single submitter. Criteria: ACMG Guidelines, 2015. Collection method: clinical testing. Allele origin: germline.

Laboratory for Molecular Medicine, Mass General Brigham Personalized Medicine
Classification: Uncertain significance. Last evaluated: 2019-01-25. Review status: criteria provided, single submitter. Criteria: LMM Criteria. Collection method: clinical testing. Allele origin: germline. Observed: 2 variant alleles.
Comment: In addition, it has also been identified in 1/8376 European American chromosomes by the NHLBI Exome Sequencing Project (dbSNP rs200450676). Computational analyses (biochemical amino acid properties, conservation, AlignGVGD, PolyPhen2, and SIFT) do not provide strong support for or against an impact to the protein. Additional information is needed to fully assess the clinical significance of this variant.

CHEO Genetics Diagnostic Laboratory, Children's Hospital of Eastern Ontario
Classification: Uncertain significance for Cardiomyopathy. Last evaluated: 2017-07-28. Review status: criteria provided, single submitter. Criteria: ACMG Guidelines, 2015. Collection method: clinical testing. Allele origin: germline. Study: Canadian Open Genetics Repository.

Fulgent Genetics
Classification: Uncertain significance for Catecholaminergic polymorphic ventricular tachycardia 1. Last evaluated: 2017-05-23. Review status: criteria provided, single submitter. Criteria: ACMG Guidelines, 2015. Collection method: clinical testing. Allele origin: unknown.

Eurofins Ntd Llc (ga)
Classification: Uncertain significance. Last evaluated: 2015-08-10. Review status: criteria provided, single submitter. Criteria: EGL Classification Definitions 2015. Collection method: clinical testing. Allele origin: germline. Observed: 1 variant allele, 1 heterozygote.

Clinical Molecular Genetics Laboratory, Johns Hopkins All Children's Hospital
Classification: Likely pathogenic for Long QT syndrome. Last evaluated: 2017-04-12. Review status: no assertion criteria provided. Collection method: clinical testing. Allele origin: germline. Affected: yes. Not counted in ClinVar's aggregate classification.

Literature cited by the submitters: PubMed 25351510 (cited by Ambry Genetics); PubMed 26704558 (cited by Ambry Genetics); PubMed 27930701 (cited by Ambry Genetics); PubMed 28404607 (cited by Ambry Genetics); PubMed 35819174 (cited by Ambry Genetics); PubMed 38380180 (cited by Dasa); PubMed 31865891 (cited by Dasa).

NM_001035.3(RYR2):c.4465T>C (p.Cys1489Arg)

Gene: RYR2 (ryanodine receptor 2; plus strand). Cytogenetic location: 1q43.
Variant type: single nucleotide variant.
Coding change: c.4465T>C on transcript NM_001035.3 (MANE Select); coding-DNA position 4465, T replaced by C.
Protein change: p.Cys1489Arg; replaces cysteine 1489 with arginine.
Molecular consequence: missense variant.
Genome position (GRCh38, 1-based): chr1:237,595,526, T>C. VCF-style: chr1-237595526-T-C. GRCh37 (hg19) VCF-style: chr1-237758826-T-C.
Other names: p.C1489R:TGT>CGT; short protein forms C1489R.
Identifiers: ClinVar variation 178120 (VCV000178120.52), dbSNP rs200450676, ClinGen allele CA009541.